The following is an entry in ClinVar:

ClinVar aggregate classification (germline): Benign. Review status: criteria provided, multiple submitters, no conflicts (2 of 4 stars). 4 submissions from 4 submitters: Benign (4). Last evaluated 2026-02-04.

Conditions:
Myopia, high, with cataract and vitreoretinal degeneration (MCVD). Identifiers: MedGen C3280346, MONDO:0013670, OMIM 614292.

Allele frequency attached by ClinVar (database versions not stated): 1000 Genomes Project 30x 0.15896; 1000 Genomes Project 0.16154; ExAC 0.20703; TOPMed 0.18126; gnomAD 0.18737 and 0.18906; gnomAD exomes 0.20594 and 0.24030; ESP Exome Variant Server 0.20145.
gnomAD v4.1: 379,032 of 1,612,286 alleles (24%); highest among the groups gnomAD compares: Non-Finnish European, 26%; 46,781 homozygotes.

Submissions (4):

Labcorp Genetics (formerly Invitae), Labcorp
Classification: Benign. Last evaluated: 2026-02-04. Review status: criteria provided, single submitter. Criteria: Invitae Variant Classification Sherloc (09022015). Collection method: clinical testing. Allele origin: germline.

Genome-Nilou Lab
Classification: Benign for Myopia, high, with cataract and vitreoretinal degeneration. Last evaluated: 2021-08-19. Review status: criteria provided, single submitter. Criteria: ACMG Guidelines, 2015. Collection method: clinical testing. Allele origin: germline. Affected: no.

GeneDx
Classification: Benign. Last evaluated: 2018-03-24. Review status: criteria provided, single submitter. Criteria: GeneDx Variant Classification (06012015). Collection method: clinical testing. Allele origin: germline. Affected: yes.
Comment: This variant is considered likely benign or benign based on one or more of the following criteria: it is a conservative change, it occurs at a poorly conserved position in the protein, it is predicted to be benign by multiple in silico algorithms, and/or has population frequency not consistent with disease.

Breakthrough Genomics
Classification: Benign. Review status: criteria provided, single submitter. Criteria: ACMG Guidelines, 2015. Collection method: not provided. Allele origin: germline. Inheritance: Autosomal recessive inheritance. Affected: yes.

NM_018192.4(P3H2):c.696C>T (p.His232=)

Gene: P3H2 (prolyl 3-hydroxylase 2; minus strand). Cytogenetic location: 3q28.
Variant type: single nucleotide variant.
Coding change: c.696C>T on transcript NM_018192.4 (MANE Select); coding-DNA position 696, C replaced by T.
Protein change: p.His232=; no amino-acid change (histidine 232 retained).
Molecular consequence: synonymous variant.
Genome position (GRCh38, 1-based): chr3:189,994,221, G>A on the plus strand (C>T on the coding strand, the complement: P3H2 is on the minus strand). VCF-style: chr3-189994221-G-A. GRCh37 (hg19) VCF-style: chr3-189712010-G-A.
Other names: c.153C>T, p.His51= (NM_001134418.2).
Identifiers: ClinVar variation 677218 (VCV000677218.11), dbSNP rs1719600, ClinGen allele CA2753237.